The following is an entry in ClinVar:

NM_033225.6(CSMD1):c.4985-1G>A

Gene: CSMD1 (CUB and Sushi multiple domains 1; minus strand). Cytogenetic location: 8p23.2.
Variant type: single nucleotide variant.
Coding change: c.4985-1G>A on transcript NM_033225.6 (MANE Select); the canonical splice acceptor site of the intron before coding-DNA position 4985, G replaced by A.
Molecular consequence: splice acceptor variant.
Genome position (GRCh38, 1-based): chr8:3,201,726, C>T on the plus strand (G>A on the coding strand, the complement: CSMD1 is on the minus strand). VCF-style: chr8-3201726-C-T. GRCh37 (hg19) VCF-style: chr8-3059248-C-T.
Identifiers: ClinVar variation 5000161 (VCV005000161.1).

ClinVar aggregate classification (germline): Uncertain significance (1 of 4 stars; one submission).

Conditions:
CSMD1-related disorder. Also called: CSMD1-related condition.

Submission:

PreventionGenetics, part of Exact Sciences
Classification: Uncertain significance for CSMD1-related condition. Last evaluated: 2024-11-13. Review status: criteria provided, single submitter. Criteria: ACMG Guidelines, 2015. Collection method: clinical testing. Allele origin: germline.
Comment: The CSMD1 c.4985-1G>A variant is predicted to disrupt the AG splice acceptor site and interfere with normal splicing. To our knowledge, this variant has not been reported in the literature or in a large population database (gnomAD), indicating this variant is rare. To date, limited evidence has been published on the role of variants predicted to interfere with splicing in CSMD1 in neurodevelopmental disorders. At this time, the clinical significance of this variant is uncertain due to the absence of conclusive functional and genetic evidence.